The following is an entry in ClinVar:

ClinVar aggregate classification (germline): Uncertain significance (1 of 4 stars; one submission).

Submission:

CeGaT Center for Human Genetics Tuebingen
Classification: Uncertain significance. Last evaluated: 2025-12-01. Review status: criteria provided, single submitter. Criteria: CeGaT Center For Human Genetics Tuebingen Variant Classification Criteria Version 2. Collection method: clinical testing. Allele origin: germline. Affected: yes. Observed: 1 variant allele.
Comment: AIFM1: PM2, BP4

NM_004208.4(AIFM1):c.450C>A (p.Ile150=)

Genes: RAB33A (RAB33A, member RAS oncogene family; plus strand), AIFM1 (apoptosis inducing factor mitochondria associated 1; minus strand). Cytogenetic location: Xq26.1.
Variant type: single nucleotide variant.
Coding change: c.450C>A on transcript NM_004208.4 (MANE Select); coding-DNA position 450, C replaced by A.
Protein change: p.Ile150=; no amino-acid change (isoleucine 150 retained).
Molecular consequence: synonymous variant. On other transcripts: non-coding transcript variant (1).
Genome position (GRCh38, 1-based): chrX:130,147,776, G>T on the plus strand (C>A on the coding strand, the complement: AIFM1 is on the minus strand). VCF-style: chrX-130147776-G-T. GRCh37 (hg19) VCF-style: chrX-129281751-G-T.
Other names: c.450C>A, p.Ile150= (NM_001130847.4); c.438C>A, p.Ile146= (NM_145812.3).
Identifiers: ClinVar variation 4682085 (VCV004682085.5).